The following is an entry in ClinVar:

ClinVar aggregate classification (germline): Uncertain significance (1 of 4 stars; one submission).

Submission:

GeneDx
Classification: Uncertain significance. Last evaluated: 2019-12-16. Review status: criteria provided, single submitter. Criteria: GeneDx Variant Classification Process June 2021. Collection method: clinical testing. Allele origin: germline. Affected: yes.
Comment: Not observed in large population cohorts (Lek et al., 2016); In silico analysis, which includes protein predictors and evolutionary conservation, supports a deleterious effect; Has not been previously published as pathogenic or benign to our knowledge

NM_001042681.2(RERE):c.2893C>G (p.Pro965Ala)

Gene: RERE (arginine-glutamic acid dipeptide repeats; minus strand). Cytogenetic location: 1p36.23.
Variant type: single nucleotide variant.
Coding change: c.2893C>G on transcript NM_001042681.2 (MANE Select); coding-DNA position 2893, C replaced by G.
Protein change: p.Pro965Ala; replaces proline 965 with alanine.
Molecular consequence: missense variant.
Genome position (GRCh38, 1-based): chr1:8,360,614, G>C on the plus strand (C>G on the coding strand, the complement: RERE is on the minus strand). VCF-style: chr1-8360614-G-C. GRCh37 (hg19) VCF-style: chr1-8420674-G-C.
Other names: c.1231C>G, p.Pro411Ala (NM_001042682.2); c.2893C>G, p.Pro965Ala (NM_012102.4); short protein forms P411A, P965A.
Identifiers: ClinVar variation 1311401 (VCV001311401.2), dbSNP rs2124367007, ClinGen allele CA338171686.
Genomic context (GRCh38, chr1:8,360,614, plus strand): 5'-GGTGAGCCGACGGGGGGTGATGTGTGGACAGGGAGCTCAGGGGCTTCAGGGCTGGAGGGG[G>C]AGGCAGGTTGGCATTCATGGAGAAGGGTGAGGGCCCCGAGAGGTGGGGAGGGTGCTTGTG-3'
Protein context (NP_001036146.1, residues 955-975): SPFSMNANLP[Pro965Ala]PPALKPLSSL